The following is an entry in ClinVar:

NM_006031.6(PCNT):c.8725A>T (p.Lys2909Ter)

Gene: PCNT (pericentrin; plus strand). Cytogenetic location: 21q22.3.
Variant type: single nucleotide variant.
Coding change: c.8725A>T on transcript NM_006031.6 (MANE Select); coding-DNA position 8725, A replaced by T.
Protein change: p.Lys2909Ter; replaces lysine 2909 with a stop codon.
Molecular consequence: nonsense. On other transcripts: intron variant (1).
Genome position (GRCh38, 1-based): chr21:46,432,189, A>T. VCF-style: chr21-46432189-A-T. GRCh37 (hg19) VCF-style: chr21-47852103-A-T.
Other names: c.8160+211A>T (NM_001315529.2); short protein forms K2909*.
Identifiers: ClinVar variation 2789203 (VCV002789203.3), dbSNP rs1460617795, ClinGen allele CA410574134.

ClinVar aggregate classification (germline): Pathogenic (1 of 4 stars; one submission).

Allele frequency attached by ClinVar (database versions not stated): gnomAD exomes below 0.00001.
gnomAD v4.1: 1 of 1,612,124 alleles (0.000062%); highest among the groups gnomAD compares: Admixed American, 0.0017%; no homozygotes.

Submission:

Labcorp Genetics (formerly Invitae), Labcorp
Classification: Pathogenic. Last evaluated: 2023-07-26. Review status: criteria provided, single submitter. Criteria: Invitae Variant Classification Sherloc (09022015). Collection method: clinical testing. Allele origin: germline.
Comment: This sequence change creates a premature translational stop signal (p.Lys2909*) in the PCNT gene. It is expected to result in an absent or disrupted protein product. Loss-of-function variants in PCNT are known to be pathogenic (PMID: 18174396, 22821869). For these reasons, this variant has been classified as Pathogenic. This variant has not been reported in the literature in individuals affected with PCNT-related conditions. This variant is present in population databases (no rsID available, gnomAD 0.003%).

Literature cited by the submitters: PubMed 18174396; PubMed 22821869.